The following is an entry in ClinVar:

ClinVar aggregate classification (germline): Uncertain significance (1 of 4 stars; one submission).

Conditions:
Emery-Dreifuss muscular dystrophy 5, autosomal dominant (EDMD5). Also called: EMERY-DREIFUSS MUSCULAR DYSTROPHY 5. Identifiers: Orphanet 261, MedGen C2751805, MONDO:0013072, OMIM 612999.

Allele frequency attached by ClinVar (database versions not stated): gnomAD 0.00001; ExAC 0.00002; TOPMed 0.00002; gnomAD exomes 0.00003 and 0.00005; ESP Exome Variant Server 0.00017.
gnomAD v4.1: 42 of 1,613,618 alleles (0.0026%); highest among the groups gnomAD compares: Non-Finnish European, 0.0018%; no homozygotes.

Submission:

Labcorp Genetics (formerly Invitae), Labcorp
Classification: Uncertain significance for Emery-Dreifuss muscular dystrophy 5, autosomal dominant. Last evaluated: 2024-03-01. Review status: criteria provided, single submitter. Criteria: Invitae Variant Classification Sherloc (09022015). Collection method: clinical testing. Allele origin: germline.
Comment: This sequence change replaces alanine, which is neutral and non-polar, with valine, which is neutral and non-polar, at codon 2565 of the SYNE2 protein (p.Ala2565Val). This variant is present in population databases (rs200447122, gnomAD 0.08%), and has an allele count higher than expected for a pathogenic variant. This variant has not been reported in the literature in individuals affected with SYNE2-related conditions. ClinVar contains an entry for this variant (Variation ID: 582586). Algorithms developed to predict the effect of missense changes on protein structure and function output the following: SIFT: "Not Available"; PolyPhen-2: "Benign"; Align-GVGD: "Not Available". The valine amino acid residue is found in multiple mammalian species, which suggests that this missense change does not adversely affect protein function. In summary, the available evidence is currently insufficient to determine the role of this variant in disease. Therefore, it has been classified as a Variant of Uncertain Significance.

NM_182914.3(SYNE2):c.7694C>T (p.Ala2565Val)

Gene: SYNE2 (spectrin repeat containing nuclear envelope protein 2; plus strand). Cytogenetic location: 14q23.2.
Variant type: single nucleotide variant.
Coding change: c.7694C>T on transcript NM_182914.3 (MANE Select); coding-DNA position 7694, C replaced by T.
Protein change: p.Ala2565Val; replaces alanine 2565 with valine.
Molecular consequence: missense variant.
Genome position (GRCh38, 1-based): chr14:64,051,607, C>T. VCF-style: chr14-64051607-C-T. GRCh37 (hg19) VCF-style: chr14-64518325-C-T.
Other names: c.7694C>T, p.Ala2565Val (NM_015180.6); short protein forms A2565V.
Identifiers: ClinVar variation 582586 (VCV000582586.8), dbSNP rs200447122, ClinGen allele CA7221000.
Genomic context (GRCh38, chr14:64,051,607, plus strand): 5'-CTTTTTCTAGAGGACCACTGGACAGTGTAACGTATCTGGACAAAATTAAAAAATTCATAG[C>T]ATCCATAGAAAAAGAGAAAGATTCTTTAGGCAACTTGAAAATCAAATGGGAGAATTTATC-3'
Protein context (NP_878918.2, residues 2555-2575): TYLDKIKKFI[Ala2565Val]SIEKEKDSLG